The following is an entry in ClinVar:

NM_001165963.4(SCN1A):c.4002+2420G>A

Genes: SCN1A (sodium voltage-gated channel alpha subunit 1; minus strand), LOC102724058 (uncharacterized LOC102724058; plus strand). Cytogenetic location: 2q24.3.
Variant type: single nucleotide variant.
Coding change: c.4002+2420G>A on transcript NM_001165963.4 (MANE Select); 2420 bases into the intron after coding-DNA position 4002, G replaced by A.
Molecular consequence: intron variant.
Genome position (GRCh38, 1-based): chr2:166,007,299, C>T on the plus strand (G>A on the coding strand, the complement: SCN1A is on the minus strand). VCF-style: chr2-166007299-C-T. GRCh37 (hg19) VCF-style: chr2-166863809-C-T.
Other names: c.3969+2420G>A (NM_001353949.2, NM_001353950.2, NM_001353951.2 and 2 more transcripts); c.3918+2420G>A (NM_001353958.2, NM_001353957.2, NM_001165964.3); c.4002+2420G>A (NM_001202435.3, NM_001353948.2); c.3966+2420G>A (NM_001353955.2, NM_001353954.2); c.3915+2420G>A (NM_001353960.2); c.1560+2420G>A (NM_001353961.2).
Identifiers: ClinVar variation 2430177 (VCV002430177.4), dbSNP rs2468471667, ClinGen allele CA2580064271.

ClinVar aggregate classification (germline): Uncertain significance. Review status: criteria provided, multiple submitters, no conflicts (2 of 4 stars). 2 submissions from 2 submitters: Uncertain significance (2). Last evaluated 2024-05-15.

Conditions:
Early-infantile DEE. Also called: Early infantile epileptic encephalopathy with suppression bursts; Early infantile epileptic encephalopathy; Ohtahara syndrome. Identifiers: Orphanet 1934, MedGen C0393706, MONDO:0800491.
Severe myoclonic epilepsy in infancy (DRVT). Also called: Epileptic encephalopathy, early infantile, 6 (Dravet syndrome); SEVERE MYOCLONIC EPILEPSY OF INFANCY; DEVELOPMENTAL AND EPILEPTIC ENCEPHALOPATHY 6A; Severe Myoclonic Epilepsy in Infancy (SMEI); Dravet syndrome. Identifiers: Orphanet 33069, MedGen C0751122, MONDO:0100135, OMIM 607208.

Submissions (2):

Labcorp Genetics (formerly Invitae), Labcorp
Classification: Uncertain significance for Early-infantile DEE. Last evaluated: 2024-05-15. Review status: criteria provided, single submitter. Criteria: Invitae Variant Classification Sherloc (09022015). Collection method: clinical testing. Allele origin: germline.
Comment: This sequence change falls in intron 20 of the SCN1A gene. It does not directly change the encoded amino acid sequence of the SCN1A protein. However, this sequence change falls within a region encompassing a cryptic exon in the SCN1A gene, in which variants have been shown to alter splicing (PMID: 30526861, 34107977). This variant is not present in population databases (gnomAD no frequency). This variant has not been reported in the literature in individuals affected with SCN1A-related conditions. ClinVar contains an entry for this variant (Variation ID: 2430177). Algorithms developed to predict the effect of sequence changes on RNA splicing suggest that this variant is not likely to affect RNA splicing. In summary, the available evidence is currently insufficient to determine the role of this variant in disease. Therefore, it has been classified as a Variant of Uncertain Significance.

HudsonAlpha Institute for Biotechnology
Classification: Uncertain significance for Severe myoclonic epilepsy in infancy. Last evaluated: 2023-02-21. Review status: criteria provided, single submitter. Criteria: ACMG Guidelines, 2015. Collection method: research. Allele origin: maternal. Observed: 1 variant allele. Study: HudsonAlpha-COAGS.

Literature cited by the submitters: PubMed 30526861 (cited by Labcorp Genetics (formerly Invitae), Labcorp); PubMed 34107977 (cited by Labcorp Genetics (formerly Invitae), Labcorp).